The following is an entry in ClinVar:

ClinVar aggregate classification (germline): Likely pathogenic (1 of 4 stars; one submission).

Conditions:
Biotinidase deficiency. Also called: BTD deficiency; Late-onset biotin-responsive multiple carboxylase deficiency; Biotin deficiency. Identifiers: Orphanet 79241, MedGen C0220754, MONDO:0009665, OMIM 253260.

Allele frequency attached by ClinVar (database versions not stated): ExAC 0.00001.

Submission:

Labcorp Genetics (formerly Invitae), Labcorp
Classification: Likely pathogenic for Biotinidase deficiency. Last evaluated: 2022-11-29. Review status: criteria provided, single submitter. Criteria: Invitae Variant Classification Sherloc (09022015). Collection method: clinical testing. Allele origin: germline.
Comment: This sequence change replaces valine, which is neutral and non-polar, with alanine, which is neutral and non-polar, at codon 62 of the BTD protein (p.Val62Ala). In summary, the currently available evidence indicates that the variant is pathogenic, but additional data are needed to prove that conclusively. Therefore, this variant has been classified as Likely Pathogenic. This variant disrupts the p.Val62 amino acid residue in BTD. Other variant(s) that disrupt this residue have been determined to be pathogenic (PMID: 11313766, 15060693, 17185019, 22698809). This suggests that this residue is clinically significant, and that variants that disrupt this residue are likely to be disease-causing. Advanced modeling of protein sequence and biophysical properties (such as structural, functional, and spatial information, amino acid conservation, physicochemical variation, residue mobility, and thermodynamic stability) performed at Invitae indicates that this missense variant is expected to disrupt BTD protein function. This variant has not been reported in the literature in individuals affected with BTD-related conditions. This variant is present in population databases (rs780281959, gnomAD 0.006%).

Literature cited by the submitters: PubMed 11313766; PubMed 15060693; PubMed 17185019; PubMed 22698809.

NM_001370658.1(BTD):c.125T>C (p.Val42Ala)

Gene: BTD (biotinidase; plus strand). Cytogenetic location: 3p25.1.
Variant type: single nucleotide variant.
Coding change: c.125T>C on transcript NM_001370658.1 (MANE Select); coding-DNA position 125, T replaced by C.
Protein change: p.Val42Ala; replaces valine 42 with alanine.
Molecular consequence: missense variant.
Genome position (GRCh38, 1-based): chr3:15,635,564, T>C. VCF-style: chr3-15635564-T-C. GRCh37 (hg19) VCF-style: chr3-15677071-T-C.
Other names: c.185T>C, p.Val62Ala (NM_000060.4); c.125T>C, p.Val42Ala (NM_001281723.4, NM_001281724.3, NM_001281725.3 and 37 more transcripts); short protein forms V62A, V42A.
Identifiers: ClinVar variation 2918707 (VCV002918707.3), dbSNP rs780281959, ClinGen allele CA2277257.